The following is an entry in ClinVar:

ClinVar aggregate classification (germline): Uncertain significance (1 of 4 stars; one submission).

Submission:

CeGaT Center for Human Genetics Tuebingen
Classification: Uncertain significance. Last evaluated: 2025-06-01. Review status: criteria provided, single submitter. Criteria: CeGaT Center For Human Genetics Tuebingen Variant Classification Criteria Version 2. Collection method: clinical testing. Allele origin: germline. Affected: yes. Observed: 1 variant allele.
Comment: TNRC6B: PM2

NM_001162501.2(TNRC6B):c.4637G>C (p.Ser1546Thr)

Gene: TNRC6B (trinucleotide repeat containing adaptor 6B; plus strand). Cytogenetic location: 22q13.1.
Variant type: single nucleotide variant.
Coding change: c.4637G>C on transcript NM_001162501.2 (MANE Select); coding-DNA position 4637, G replaced by C.
Protein change: p.Ser1546Thr; replaces serine 1546 with threonine.
Molecular consequence: missense variant.
Genome position (GRCh38, 1-based): chr22:40,312,956, G>C. VCF-style: chr22-40312956-G-C. GRCh37 (hg19) VCF-style: chr22-40708960-G-C.
Other names: c.2225G>C, p.Ser742Thr (NM_001024843.2); c.4307G>C, p.Ser1436Thr (NM_015088.3); short protein forms S1436T, S1546T, S742T.
Identifiers: ClinVar variation 3906012 (VCV003906012.10).
Genomic context (GRCh38, chr22:40,312,956, plus strand): 5'-CCCAAGGGTCTAATTCTTCCCTCAACACCTCGCTGCCTTCACCTGGTGCCTGGCCCTACA[G>C]TGCCTCTGACAACTCCTTTACCAACGTTCATAGCACTTCAGGTATGAGTGTGAATTTTTT-3'
Protein context (NP_001155973.1, residues 1536-1556): SLPSPGAWPY[Ser1546Thr]ASDNSFTNVH